The following is an entry in ClinVar:

NM_000051.4(ATM):c.607G>A (p.Asp203Asn)

Gene: ATM (ATM serine/threonine kinase; plus strand). Cytogenetic location: 11q22.3.
Variant type: single nucleotide variant.
Coding change: c.607G>A on transcript NM_000051.4 (MANE Select); coding-DNA position 607, G replaced by A.
Protein change: p.Asp203Asn; replaces aspartic acid 203 with asparagine.
Molecular consequence: missense variant.
Genome position (GRCh38, 1-based): chr11:108,244,063, G>A. VCF-style: chr11-108244063-G-A. GRCh37 (hg19) VCF-style: chr11-108114790-G-A.
Other names: c.607G>A, p.Asp203Asn (NM_001351834.2); short protein forms D203N.
Identifiers: ClinVar variation 642801 (VCV000642801.6), dbSNP rs1591500372, ClinGen allele CA382528139.

ClinVar aggregate classification (germline): Uncertain significance (1 of 4 stars; one submission).

Conditions:
Ataxia-telangiectasia syndrome (AT). Also called: LOUIS-BAR SYNDROME; Ataxia-telangiectasia, complementation group E; Ataxia-telangiectasia, complementation group D; AT, COMPLEMENTATION GROUP C; Ataxia telangiectasia (A-T); Cerebello-oculocutaneous telangiectasia. Identifiers: Orphanet 100, MedGen C0004135, MONDO:0008840, OMIM 208900.

Submission:

Labcorp Genetics (formerly Invitae), Labcorp
Classification: Uncertain significance for Ataxia-telangiectasia syndrome. Last evaluated: 2023-12-11. Review status: criteria provided, single submitter. Criteria: Invitae Variant Classification Sherloc (09022015). Collection method: clinical testing. Allele origin: germline.
Comment: This sequence change replaces aspartic acid, which is acidic and polar, with asparagine, which is neutral and polar, at codon 203 of the ATM protein (p.Asp203Asn). This variant is not present in population databases (gnomAD no frequency). This variant has not been reported in the literature in individuals affected with ATM-related conditions. ClinVar contains an entry for this variant (Variation ID: 642801). An algorithm developed to predict the effect of missense changes on protein structure and function (PolyPhen-2) suggests that this variant is likely to be disruptive. In summary, the available evidence is currently insufficient to determine the role of this variant in disease. Therefore, it has been classified as a Variant of Uncertain Significance.